The following is an entry in ClinVar:

ClinVar aggregate classification (germline): Benign (3 of 4 stars; one submission).

Conditions:
Breast-ovarian cancer, familial, susceptibility to, 1 (BROVCA1). Also called: BRCA1 Hereditary Breast and Ovarian Cancer; OVARIAN CANCER, SUSCEPTIBILITY TO. Identifiers: Orphanet 145, MedGen C2676676, MONDO:0011450, OMIM 604370. Disease mechanism: loss of function.

Allele frequency attached by ClinVar (database versions not stated): gnomAD 0.00047 and 0.00065; TOPMed 0.00092; gnomAD exomes 0.00182; 1000 Genomes Project 30x 0.00265; 1000 Genomes Project 0.00280.
gnomAD v4.1: 203 of 212,124 alleles (0.096%); highest among the groups gnomAD compares: East Asian, 1.2%; 1 homozygote.

Submission:

Evidence-based Network for the Interpretation of Germline Mutant Alleles (ENIGMA)
Classification: Benign for Breast-ovarian cancer, familial 1. Last evaluated: 2015-01-12. Review status: reviewed by expert panel. Criteria: ENIGMA BRCA1/2 Classification Criteria (2015). Collection method: curation. Allele origin: germline.
Comment: Class 1 not pathogenic based on frequency >1% in an outbred sampleset. Frequency 0.01049 (Asian), derived from 1000 genomes (2012-04-30).

NM_007294.4(BRCA1):c.81-3426G>A

Gene: BRCA1 (BRCA1 DNA repair associated; minus strand). Cytogenetic location: 17q21.31.
Variant type: single nucleotide variant.
Coding change: c.81-3426G>A on transcript NM_007294.4 (MANE Select); 3426 bases into the intron before coding-DNA position 81, G replaced by A.
Molecular consequence: intron variant. On other transcripts: 5 prime UTR variant (5).
Genome position (GRCh38, 1-based): chr17:43,119,205, C>T on the plus strand (G>A on the coding strand, the complement: BRCA1 is on the minus strand). VCF-style: chr17-43119205-C-T. GRCh37 (hg19) VCF-style: chr17-41271222-C-T.
Other names: IVS 2-3426G>A; c.81-3426G>A (NM_001408431.1, NM_001408424.1, NM_001408407.1 and 191 more transcripts); c.-339-3426G>A (NM_001407965.1); c.-177-3426G>A (NM_001407930.1, NM_001407843.1, NM_001408456.1 and 12 more transcripts); c.-181-3426G>A (NM_001408465.1, NM_001407695.1); c.-8+2353G>A (NM_001407751.1, NM_001407726.1); c.-109+2353G>A (NM_001407954.1, NM_001407917.1, NM_001408513.1); c.-62+2353G>A (NM_001408504.1, NM_001408463.1, NM_001407847.1 and 25 more transcripts); and 17 more.
Identifiers: ClinVar variation 209554 (VCV000209554.2), dbSNP rs143912779, ClinGen allele CA276523.